The following is an entry in ClinVar:

ClinVar aggregate classification (germline): Uncertain significance (1 of 4 stars; one submission).

Conditions:
Hereditary cancer-predisposing syndrome. Also called: Tumor predisposition; Neoplastic Syndromes, Hereditary; Hereditary neoplastic syndrome; Hereditary Cancer Syndrome. Identifiers: Orphanet 140162, MedGen C0027672, MeSH D009386, MONDO:0015356.

Submission:

Ambry Genetics
Classification: Uncertain significance for Hereditary cancer-predisposing syndrome. Last evaluated: 2024-12-02. Review status: criteria provided, single submitter. Criteria: Ambry Variant Classification Scheme 2023. Collection method: clinical testing. Allele origin: germline.
Comment: The p.M164L variant (also known as c.490A>T), located in coding exon 6 of the SMARCE1 gene, results from an A to T substitution at nucleotide position 490. The methionine at codon 164 is replaced by leucine, an amino acid with highly similar properties. This amino acid position is conserved. In addition, this alteration is predicted to be tolerated by in silico analysis. Based on the available evidence, the clinical significance of this variant remains unclear.

NM_003079.5(SMARCE1):c.490A>T (p.Met164Leu)

Gene: SMARCE1 (SWI/SNF related BAF chromatin remodeling complex subunit E1; minus strand). Cytogenetic location: 17q21.2.
Variant type: single nucleotide variant.
Coding change: c.490A>T on transcript NM_003079.5 (MANE Select); coding-DNA position 490, A replaced by T.
Protein change: p.Met164Leu; replaces methionine 164 with leucine.
Molecular consequence: missense variant.
Genome position (GRCh38, 1-based): chr17:40,635,982, T>A on the plus strand (A>T on the coding strand, the complement: SMARCE1 is on the minus strand). VCF-style: chr17-40635982-T-A. GRCh37 (hg19) VCF-style: chr17-38792234-T-A.
Other names: short protein forms M164L.
Identifiers: ClinVar variation 3446159 (VCV003446159.1).
Genomic context (GRCh38, chr17:40,635,982, plus strand): 5'-TTCTTTTACCATCTGGATCTTCAGCAGGCTGAATGCTCATGTACGGTTCTCCTTTCTCCA[T>A]GCGAGATTGTCTCTGTCGACTTTCTTCCTCTAAAGCAGCTTCTGCACGACTTTTTGCATT-3'
Protein context (NP_003070.3, residues 154-174): EEESRQRQSR[Met164Leu]EKGEPYMSIQ